The following is an entry in ClinVar:

ClinVar aggregate classification (germline): Uncertain significance. Review status: criteria provided, multiple submitters, no conflicts (2 of 4 stars). 5 submissions from 5 submitters: Uncertain significance (5). Last evaluated 2025-12-19.

Conditions:
Cardiomyopathy (CMYO). Also called: Cardiomyopathies. Identifiers: Orphanet 167848, MedGen C0878544, MONDO:0004994, HP:0001638. Inheritance: Various modes of inheritance.
Arrhythmogenic right ventricular dysplasia 5. Also called: Arrhythmogenic Right Ventricular Dysplasia/Cardiomyopathy 5; ARRHYTHMOGENIC RIGHT VENTRICULAR DYSPLASIA, FAMILIAL, 5. Identifiers: MedGen C1858379, MONDO:0011459, OMIM 604400.

Submissions (5):

Women's Health and Genetics/Laboratory Corporation of America, LabCorp
Classification: Uncertain significance. Last evaluated: 2025-12-19. Review status: criteria provided, single submitter. Criteria: LabCorp Variant Classification Summary - May 2015. Collection method: clinical testing. Allele origin: germline.
Comment: Variant summary: TMEM43 c.351dupG (p.His118AlafsX11) results in a premature termination codon, predicted to cause a truncation of the encoded protein or absence of the protein due to nonsense mediated decay, however current evidence is not sufficient to establish loss of function as a mechanism for disease. The variant allele was found at a frequency of 8e-06 in 251234 control chromosomes (gnomAD). The available data on variant occurrences in the general population are insufficient to allow any conclusion about variant significance. c.351dupG has been observed in stillbirth case (Merc_2024). The report does not provide unequivocal conclusions about association of the variant with Arrhythmogenic right ventricular dysplasia 5. To our knowledge, no experimental evidence demonstrating an impact on protein function has been reported. The following publication have been ascertained in the context of this evaluation (PMID: 38813989). ClinVar contains an entry for this variant (Variation ID: 2155277). Based on the evidence outlined above, the variant was classified as uncertain significance.

Color Diagnostics, LLC DBA Color Health
Classification: Uncertain significance for Cardiomyopathy. Last evaluated: 2025-01-28. Review status: criteria provided, single submitter. Criteria: ACMG Guidelines, 2015. Collection method: clinical testing. Allele origin: germline.
Comment: This variant inserts 1 nucleotide in exon 4 of the TMEM43 gene, creating a frameshift and premature translation stop signal. This variant is expected to result in an absent or non-functional protein product. To our knowledge, this variant has not been reported in individuals affected with cardiovascular disorders in the literature. This variant has been identified in 3/282632 chromosomes in the general population by the Genome Aggregation Database (gnomAD). Clinical relevance of loss-of-function truncation and splice variants in the TMEM43 gene is not clearly established. The available evidence is insufficient to determine the role of this variant in disease conclusively. Therefore, this variant is classified as a Variant of Uncertain Significance.

Blueprint Genetics
Classification: Uncertain significance. Last evaluated: 2023-09-27. Review status: criteria provided, single submitter. Criteria: ACMG Guidelines, 2015. Collection method: clinical testing. Allele origin: germline.

All of Us Research Program, National Institutes of Health
Classification: Uncertain significance for Arrhythmogenic right ventricular dysplasia 5. Last evaluated: 2023-04-03. Review status: criteria provided, single submitter. Criteria: ACMG Guidelines, 2015. Collection method: clinical testing. Allele origin: germline. Inheritance: Autosomal dominant inheritance. Observed: 1 variant allele, 1 heterozygote.
Comment: This variant inserts 1 nucleotide in exon 4 of the TMEM43 gene, creating a frameshift and premature translation stop signal. This variant is expected to result in an absent or non-functional protein product. To our knowledge, this variant has not been reported in individuals affected with cardiovascular disorders in the literature. This variant has been identified in 3/282632 chromosomes in the general population by the Genome Aggregation Database (gnomAD). Clinical relevance of loss-of-function truncation and splice variants in the TMEM43 gene is not clearly established. The available evidence is insufficient to determine the role of this variant in disease conclusively. Therefore, this variant is classified as a Variant of Uncertain Significance.

This study involves interpretation of variants in research participants for the purpose of population health screening. Participant phenotype was not available at the time of variant classification. Additional details can be found in publication PMID: 35346344, PMCID: PMC8962531

Labcorp Genetics (formerly Invitae), Labcorp
Classification: Uncertain significance for Arrhythmogenic right ventricular dysplasia 5. Last evaluated: 2022-08-28. Review status: criteria provided, single submitter. Criteria: Invitae Variant Classification Sherloc (09022015). Collection method: clinical testing. Allele origin: germline.
Comment: This sequence change creates a premature translational stop signal (p.His118Alafs*11) in the TMEM43 gene. It is expected to result in an absent or disrupted protein product. However, the current clinical and genetic evidence is not sufficient to establish whether loss-of-function variants in TMEM43 cause disease. In summary, the available evidence is currently insufficient to determine the role of this variant in disease. Therefore, it has been classified as a Variant of Uncertain Significance. This variant has not been reported in the literature in individuals affected with TMEM43-related conditions. This variant is present in population databases (rs749875987, gnomAD 0.003%).

Literature cited by the submitters: PubMed 38813989 (cited by Women's Health and Genetics/Laboratory Corporation of America, LabCorp).

NM_024334.3(TMEM43):c.351dup (p.His118fs)

Gene: TMEM43 (transmembrane protein 43; plus strand). Cytogenetic location: 3p25.1.
Variant type: Duplication.
Coding change: c.351dup on transcript NM_024334.3 (MANE Select); coding-DNA position 351, one base duplicated (G; older notation c.351dupG).
Protein change: p.His118fs; shifts the reading frame from histidine 118.
Molecular consequence: frameshift variant.
Genome position (GRCh38, 1-based): chr3:14,131,633, G duplicated; the last of 2 consecutive G bases (chr3:14,131,632-14,131,633); duplicating either gives the same sequence. VCF-style (leftmost placement, unchanged base first): chr3-14131631-A-AG. GRCh37 (hg19) VCF-style: chr3-14173131-A-AG.
Other names: c.351dup, p.His118Alafs (NM_001407274.1, NM_001407275.1, NM_001407276.1 and 2 more transcripts); c.336dup, p.His113Alafs (NM_001407278.1); c.201dup, p.His68Alafs (NM_001407280.1); c.351dupG (NM_024334.3); short protein forms H118fs.
Identifiers: ClinVar variation 2155277 (VCV002155277.6), dbSNP rs749875987, ClinGen allele CA053008.
Genomic context (GRCh38, chr3:14,131,631, plus strand): 5'-TGTTTGAAGCTTTTGTCTGATCCAAACTATGGGGTCCATCTTCCGGCTGTGAAACTGCGG[A>AG]GGCACGTGGAGATGTACCAATGGGTAGAAACTGAGGAGTCCAGGTGAGCTGTTGGGGTGA-3'